The following is an entry in ClinVar:

ClinVar aggregate classification (germline): Uncertain significance (1 of 4 stars; one submission).

Allele frequency attached by ClinVar (database versions not stated): ExAC 0.00002; gnomAD exomes 0.00002; TOPMed 0.00002; gnomAD 0.00004.

Submission:

Labcorp Genetics (formerly Invitae), Labcorp
Classification: Uncertain significance. Last evaluated: 2025-10-11. Review status: criteria provided, single submitter. Criteria: Invitae Variant Classification Sherloc (09022015). Collection method: clinical testing. Allele origin: germline.
Comment: This sequence change creates a premature translational stop signal (p.Arg81*) in the KIF20A gene. It is expected to result in an absent or disrupted protein product. However, the current clinical and genetic evidence is not sufficient to establish whether loss-of-function variants in KIF20A cause disease. This variant is present in population databases (rs779440603, gnomAD 0.0009%). This variant has not been reported in the literature in individuals affected with KIF20A-related conditions. ClinVar contains an entry for this variant (Variation ID: 1982638). Algorithms developed to predict the effect of sequence changes on RNA splicing suggest that this variant may disrupt the consensus splice site. In summary, the available evidence is currently insufficient to determine the role of this variant in disease. Therefore, it has been classified as a Variant of Uncertain Significance.

NM_005733.3(KIF20A):c.241C>T (p.Arg81Ter)

Gene: KIF20A (kinesin family member 20A; plus strand). Cytogenetic location: 5q31.2.
Variant type: single nucleotide variant.
Coding change: c.241C>T on transcript NM_005733.3 (MANE Select); coding-DNA position 241, C replaced by T.
Protein change: p.Arg81Ter; replaces arginine 81 with a stop codon.
Molecular consequence: nonsense.
Genome position (GRCh38, 1-based): chr5:138,181,497, C>T. VCF-style: chr5-138181497-C-T. GRCh37 (hg19) VCF-style: chr5-137517186-C-T.
Other names: short protein forms R81*.
Identifiers: ClinVar variation 1982638 (VCV001982638.4), dbSNP rs779440603, ClinGen allele CA3426246.